The following is an entry in ClinVar:

NM_001112741.2(KCNC1):c.700C>T (p.Arg234Cys)

Gene: KCNC1 (potassium voltage-gated channel subfamily C member 1; plus strand). Cytogenetic location: 11p15.1.
Variant type: single nucleotide variant.
Coding change: c.700C>T on transcript NM_001112741.2 (MANE Select); coding-DNA position 700, C replaced by T.
Protein change: p.Arg234Cys; replaces arginine 234 with cysteine.
Molecular consequence: missense variant.
Genome position (GRCh38, 1-based): chr11:17,771,794, C>T. VCF-style: chr11-17771794-C-T. GRCh37 (hg19) VCF-style: chr11-17793341-C-T.
Other names: c.700C>T, p.Arg234Cys (NM_004976.4); short protein forms R234C.
Identifiers: ClinVar variation 2796497 (VCV002796497.3), dbSNP rs2497799385, ClinGen allele CA379805844.

ClinVar aggregate classification (germline): Uncertain significance (1 of 4 stars; one submission).

Conditions:
Progressive myoclonic epilepsy type 7. Identifiers: Orphanet 435438, MedGen C4015420, MONDO:0014521, OMIM 616187.

Submission:

Labcorp Genetics (formerly Invitae), Labcorp
Classification: Uncertain significance for Progressive myoclonic epilepsy type 7. Last evaluated: 2023-12-02. Review status: criteria provided, single submitter. Criteria: Invitae Variant Classification Sherloc (09022015). Collection method: clinical testing. Allele origin: germline.
Comment: This sequence change replaces arginine, which is basic and polar, with cysteine, which is neutral and slightly polar, at codon 234 of the KCNC1 protein (p.Arg234Cys). This variant is not present in population databases (gnomAD no frequency). This variant has not been reported in the literature in individuals affected with KCNC1-related conditions. An algorithm developed to predict the effect of missense changes on protein structure and function (PolyPhen-2) suggests that this variant is likely to be disruptive. In summary, the available evidence is currently insufficient to determine the role of this variant in disease. Therefore, it has been classified as a Variant of Uncertain Significance.